The following is an entry in ClinVar:

NM_005219.5(DIAPH1):c.1744G>A (p.Val582Ile)

Gene: DIAPH1 (diaphanous related formin 1; minus strand). Cytogenetic location: 5q31.3.
Variant type: single nucleotide variant.
Coding change: c.1744G>A on transcript NM_005219.5 (MANE Select); coding-DNA position 1744, G replaced by A.
Protein change: p.Val582Ile; replaces valine 582 with isoleucine.
Molecular consequence: missense variant.
Genome position (GRCh38, 1-based): chr5:141,574,106, C>T on the plus strand (G>A on the coding strand, the complement: DIAPH1 is on the minus strand). VCF-style: chr5-141574106-C-T. GRCh37 (hg19) VCF-style: chr5-140953673-C-T.
Other names: c.1717G>A, p.Val573Ile (NM_001079812.3); c.1744G>A, p.Val582Ile (NM_001314007.2); short protein forms V573I, V582I.
Identifiers: ClinVar variation 1810029 (VCV001810029.1), dbSNP rs746371106, ClinGen allele CA3479220.
Genomic context (GRCh38, chr5:141,574,106, plus strand): 5'-GAGCAGGTGGTGGTGGAATAATAGTGCCAGAGTCACCAGGTAAAGGAGGGGCAGGGGGAA[C>T]AGGAGCACGACTAGGAACAGAAGGAGGTACAGTAATAGCTGCCGCAGAGAGGGAAGCCAT-3'
Protein context (NP_005210.3, residues 572-592): VPPSVPSRAP[Val582Ile]PPAPPLPGDS

ClinVar aggregate classification (germline): Uncertain significance (1 of 4 stars; one submission).

Allele frequency attached by ClinVar (database versions not stated): ExAC 0.00003.
gnomAD v4.1: 9 of 1,613,838 alleles (0.00056%); highest among the groups gnomAD compares: Non-Finnish European, 0.00076%; no homozygotes.

Submission:

GeneDx
Classification: Uncertain significance. Last evaluated: 2022-06-29. Review status: criteria provided, single submitter. Criteria: GeneDx Variant Classification Process June 2021. Collection method: clinical testing. Allele origin: germline. Affected: yes.
Comment: In silico analysis supports that this missense variant does not alter protein structure/function; Has not been previously published as pathogenic or benign to our knowledge